The following continues an entry in ClinVar:

NM_000500.9(CYP21A2):c.293-13C>G

ClinVar aggregate classification (germline): Pathogenic/Likely pathogenic. Pathogenic (36); Likely pathogenic (2).

Submissions 29 to 46 of 48:

Myriad Genetics, Inc.
Classification: Pathogenic for 21-Hydroxylase-Deficient Congenital Adrenal Hyperplasia. Last evaluated: 2019-12-20. Review status: criteria provided, single submitter. Criteria: Myriad Women's Health Autosomal Recessive and X-Linked Classification Criteria (2019). Collection method: clinical testing. Allele origin: unknown.
Comment: NM_000500.7(CYP21A2):c.293-13C>G is classified as pathogenic in the context of congenital adrenal hyperplasia and is associated with the classic form of the disease. Sources cited for classification include the following: PMID 1644925 and 2845408. Classification of NM_000500.7(CYP21A2):c.293-13C>G is based on the following criteria: This is a well-established pathogenic variant in the literature that has been observed more frequently in patients with clinical diagnoses than in healthy populations. Please note: this variant was assessed in the context of healthy population screening.

Mendelics
Classification: Pathogenic for 21-Hydroxylase-Deficient Congenital Adrenal Hyperplasia. Last evaluated: 2019-05-28. Review status: criteria provided, single submitter. Criteria: Mendelics Assertion Criteria 2017. Collection method: clinical testing. Allele origin: unknown.

Illumina Laboratory Services, Illumina
Classification: Pathogenic for 21-Hydroxylase-Deficient Congenital Adrenal Hyperplasia. Last evaluated: 2019-01-15. Review status: criteria provided, single submitter. Criteria: ICSLVariantClassificationCriteria RUGD 01 April 2020. Collection method: clinical testing. Allele origin: unknown.
Comment: The CYP21A2 c.293-13C>G variant is an intronic variant. Across a selection of the available literature, this variant has been reported in a homozygous state in at least 13 individuals with congenital adrenal hyperplasia due to 21-hydroxylase deficiency and in a compound heterozygous state in at least 48 patients (Speiser et al. 1992; Yoo et al. 2013; Hong et al. 2015; Mohamed et al. 2015). In several families, presumably unaffected parents were identified to be heterozygous carriers of the c.293-13C>G variant. This variant is reported at a frequency of 0.003896 in the Ashkenazi Jewish population from the Genome Aggregation Database. Functional studies in COS-7 cells showed absent CYP21A2 activity for this variant (Higashi et al. 1988). Further, the c.293-13C>G variant was shown to result in abnormal splicing, producing a frameshift which results in premature truncation of the protein. Based on the collective evidence, the c.293-13C>G variant is pathogenic for congenital adrenal hyperplasia due to 21-hydroxylase deficiency.

Fulgent Genetics
Classification: Pathogenic for 21-Hydroxylase-Deficient Congenital Adrenal Hyperplasia. Last evaluated: 2018-10-31. Review status: criteria provided, single submitter. Criteria: ACMG Guidelines, 2015. Collection method: clinical testing. Allele origin: unknown.

Centre of Medical Genetics, University Hospital Muenster
Classification: Pathogenic. Last evaluated: 2018-10-19. Review status: criteria provided, single submitter. Criteria: ACMG Guidelines, 2015. Collection method: clinical testing. Allele origin: unknown. Affected: yes. Observed: 1 variant allele, 1 homozygote.
Comment: ACMG categories: PS3,PM2,PM3,PP1,PP4,PP5

Institute of Human Genetics Munich, TUM University Hospital
Classification: Pathogenic for 21-Hydroxylase-Deficient Congenital Adrenal Hyperplasia. Last evaluated: 2017-10-26. Review status: criteria provided, single submitter. Criteria: Classification criteria August 2017. Collection method: clinical testing. Allele origin: paternal. Inheritance: Autosomal recessive inheritance. Affected: yes. Observed: 1 compound heterozygote.

Eurofins Ntd Llc (ga)
Classification: Pathogenic. Last evaluated: 2015-07-24. Review status: criteria provided, single submitter. Criteria: EGL Classification Definitions 2015. Collection method: clinical testing. Allele origin: germline. Observed: 17 variant alleles, 15 heterozygotes, 1 homozygote.

Genomics England Pilot Project, Genomics England
Classification: Likely pathogenic for 21-Hydroxylase-Deficient Congenital Adrenal Hyperplasia. Review status: criteria provided, single submitter. Criteria: ACGS Guidelines, 2016. Collection method: clinical testing. Allele origin: germline. Affected: yes.

Imagene.me medical diagnostic laboratory, IMAGENE.ME SA
Classification: Pathogenic for 21-Hydroxylase-Deficient Congenital Adrenal Hyperplasia. Review status: criteria provided, single submitter. Criteria: IMAGENE.ME Variant Classification SOP 2022. Collection method: clinical testing. Allele origin: germline. Affected: yes.
Comment: Classified according to the IMAGENE.ME variant classification SOP based on the ACMG guidelines as Pathogenic (P): PS3 + PS4 + PP1_Strong + PP3_Moderate + PP4_Moderate

Juno Genomics, Hangzhou Juno Genomics, Inc
Classification: Pathogenic for 21-Hydroxylase-Deficient Congenital Adrenal Hyperplasia. Review status: criteria provided, single submitter. Criteria: ACMG Guidelines, 2015. Collection method: clinical testing. Allele origin: germline. Affected: yes.
Comment: For recessive disorders, detected in trans with a pathogenic variant.;Patient's phenotype or family history is highly specific for a disease with a single genetic etiology.;Well-established in vitro or in vivo functional studies supportive of a damaging effect on the gene or gene product.

Department of Reproductive Genetics, International Peace Maternity and Child Health Hospital, Shanghai Jiao Tong University School of Medicine
Classification: Pathogenic for Adrenal hyperplasia, congenital, due to 21-hydroxylase deficiency. Last evaluated: 2025-05-01. Review status: no assertion criteria provided. Collection method: clinical testing. Allele origin: inherited. Affected: yes. Not counted in ClinVar's aggregate classification.
Comment: This sequence change affects intron 2 of the CYP21A2 gene. This variant is also known as IVS2-13A/C>G, I2G, c.293-13A/C>G.This variant has been reported in a compound heterozygous state in patients with congenital adrenal hyperplasia due to 21-hydroxylase deficiency.

Zotz-Klimas Genetics Lab, MVZ Zotz Klimas
Classification: Pathogenic for 21-Hydroxylase-Deficient Congenital Adrenal Hyperplasia. Last evaluated: 2023-11-24. Review status: no assertion criteria provided. Collection method: clinical testing. Allele origin: germline. Affected: yes. Not counted in ClinVar's aggregate classification.

GeneReviews
Classification: Pathogenic for 21-Hydroxylase-Deficient Congenital Adrenal Hyperplasia. Last evaluated: 2013-08-29. Review status: no assertion criteria provided. Collection method: curation. Allele origin: unknown. Not counted in ClinVar's aggregate classification.
ClinVar note: Converted during submission from pathologic to Pathogenic.

OMIM
Classification: Pathogenic for ADRENAL HYPERPLASIA, CONGENITAL, DUE TO 21-HYDROXYLASE DEFICIENCY. Last evaluated: 2003-08-01. Review status: no assertion criteria provided. Collection method: literature only. Allele origin: germline. Not counted in ClinVar's aggregate classification.

Dr. Peter K. Rogan Lab, Western University
No classification provided (evidence only). Condition: Ovarian serous cystadenocarcinoma. Review status: no classification provided. Collection method: in vitro. Allele origin: not applicable. Functional consequence: retained intron. Not counted in ClinVar's aggregate classification.

Dr. Peter K. Rogan Lab, Western University
No classification provided (evidence only). Condition: Ovarian serous cystadenocarcinoma. Review status: no classification provided. Collection method: in vitro. Allele origin: not applicable. Functional consequence: retained intron. Not counted in ClinVar's aggregate classification.

Lifecell International Pvt. Ltd
Classification: Pathogenic for 21-Hydroxylase-Deficient Congenital Adrenal Hyperplasia. Review status: no assertion criteria provided. Collection method: clinical testing. Allele origin: germline. Inheritance: Autosomal recessive inheritance. Affected: yes. Observed: 1 variant allele, 1 homozygote. Not counted in ClinVar's aggregate classification.
Comment: This variant present in Intron 2 of the CYP21A2 gene c.293-13A/C>G (NM_000500.7). This variant has a minor allele frequency of 0.1988% and 0.2261% in 1000 genomes and gnomAD Exomes databases respectively. This variant is characterized by the substitution of A or C nucleotide at 13 bp before the end of intron 2 to G, and activates a cryptic upstream 3' splice acceptor site and causing aberrant splicing (New et al., 2013)This variant has been reported for 21-hydroxylase deficiency (Billerbeck AE et al., 2002 PMID: 12213891, Higashi et al., 1988 PMID: 2845408, Speiser et al., 1992 PMID: 1644925).

Medical Laboratory Center, Huzhou Maternal and Child Health Hospital
Classification: Pathogenic for 21-Hydroxylase-Deficient Congenital Adrenal Hyperplasia. Review status: no assertion criteria provided. Collection method: research. Allele origin: germline. Not counted in ClinVar's aggregate classification.